The following is an entry in ClinVar:

NM_017950.4(CCDC40):c.1246C>T (p.Arg416Cys)

Gene: CCDC40 (coiled-coil domain 40 molecular ruler complex subunit; plus strand). Cytogenetic location: 17q25.3.
Variant type: single nucleotide variant.
Coding change: c.1246C>T on transcript NM_017950.4 (MANE Select); coding-DNA position 1246, C replaced by T.
Protein change: p.Arg416Cys; replaces arginine 416 with cysteine.
Molecular consequence: missense variant.
Genome position (GRCh38, 1-based): chr17:80,058,580, C>T. VCF-style: chr17-80058580-C-T. GRCh37 (hg19) VCF-style: chr17-78032379-C-T.
Other names: c.1246C>T, p.Arg416Cys (NM_001243342.2, NM_001330508.2); c.1246C>T (NM_017950.3); short protein forms R416C.
Identifiers: ClinVar variation 1431207 (VCV001431207.11), dbSNP rs1489341724, ClinGen allele CA401324220.
Genomic context (GRCh38, chr17:80,058,580, plus strand): 5'-AACTTGGCCCTGCATCTCTTCTACATGCAGAACATCGACCAGGACATGCGTGACGACATC[C>T]GCGTGATGACACAAGTGGTAAAGAAGGCCGAGACGGAGAGGATCCGGGCAGAAATCGAGA-3'
Protein context (NP_060420.2, residues 406-426): NIDQDMRDDI[Arg416Cys]VMTQVVKKAE

ClinVar aggregate classification (germline): Conflicting classifications of pathogenicity. Review status: criteria provided, conflicting classifications (1 of 4 stars). 2 submissions from 2 submitters: Uncertain significance (1); Likely benign (1). Last evaluated 2025-01-03.

Conditions:
Primary ciliary dyskinesia. Also called: Ciliary dyskinesia. Identifiers: Orphanet 244, MedGen C0008780, MONDO:0016575, HP:0012265.

Allele frequency attached by ClinVar (database versions not stated): gnomAD 0.00001; gnomAD exomes 0.00001; TOPMed 0.00001.

Submissions (2):

Ambry Genetics
Classification: Likely benign for Primary ciliary dyskinesia. Last evaluated: 2025-01-03. Review status: criteria provided, single submitter. Criteria: Ambry Variant Classification Scheme 2023. Collection method: clinical testing. Allele origin: germline.

Labcorp Genetics (formerly Invitae), Labcorp
Classification: Uncertain significance for Primary ciliary dyskinesia. Last evaluated: 2021-04-23. Review status: criteria provided, single submitter. Criteria: Invitae Variant Classification Sherloc (09022015). Collection method: clinical testing. Allele origin: germline.
Comment: This sequence change replaces arginine with cysteine at codon 416 of the CCDC40 protein (p.Arg416Cys). The arginine residue is moderately conserved and there is a large physicochemical difference between arginine and cysteine. This variant is not present in population databases (ExAC no frequency). This variant has not been reported in the literature in individuals with CCDC40-related conditions. Algorithms developed to predict the effect of missense changes on protein structure and function output the following: SIFT: "Tolerated"; PolyPhen-2: "Benign"; Align-GVGD: "Class C0". The cysteine amino acid residue is found in multiple mammalian species, suggesting that this missense change does not adversely affect protein function. These predictions have not been confirmed by published functional studies and their clinical significance is uncertain. In summary, the available evidence is currently insufficient to determine the role of this variant in disease. Therefore, it has been classified as a Variant of Uncertain Significance.